The following is an entry in ClinVar:

ClinVar aggregate classification (germline): Uncertain significance (1 of 4 stars; one submission).

Conditions:
Cardiovascular phenotype. Identifiers: MedGen CN230736.

Submission:

Ambry Genetics
Classification: Uncertain significance for Cardiovascular phenotype. Last evaluated: 2025-03-18. Review status: criteria provided, single submitter. Criteria: Ambry Variant Classification Scheme 2023. Collection method: clinical testing. Allele origin: germline.
Comment: The p.A985V variant (also known as c.2954C>T), located in coding exon 21 of the MYH6 gene, results from a C to T substitution at nucleotide position 2954. The alanine at codon 985 is replaced by valine, an amino acid with similar properties. This amino acid position is conserved. In addition, the in silico prediction for this alteration is inconclusive. Since supporting evidence is limited at this time, the clinical significance of this alteration remains unclear.

NM_002471.4(MYH6):c.2954C>T (p.Ala985Val)

Gene: MYH6 (myosin heavy chain 6; minus strand). Cytogenetic location: 14q11.2.
Variant type: single nucleotide variant.
Coding change: c.2954C>T on transcript NM_002471.4 (MANE Select); coding-DNA position 2954, C replaced by T.
Protein change: p.Ala985Val; replaces alanine 985 with valine.
Molecular consequence: missense variant.
Genome position (GRCh38, 1-based): chr14:23,393,493, G>A on the plus strand (C>T on the coding strand, the complement: MYH6 is on the minus strand). VCF-style: chr14-23393493-G-A. GRCh37 (hg19) VCF-style: chr14-23862702-G-A.
Other names: short protein forms A985V.
Identifiers: ClinVar variation 1798094 (VCV001798094.3), dbSNP rs2502169385, ClinGen allele CA389011331.